The following is an entry in ClinVar:

NM_001267550.2(TTN):c.104609del (p.Asp34870fs)

Genes: TTN (titin; minus strand), TTN-AS1 (TTN antisense RNA 1; plus strand). Cytogenetic location: 2q31.2.
Variant type: Deletion.
Coding change: c.104609del on transcript NM_001267550.2 (MANE Select); coding-DNA position 104609, one base deleted (A; older notation c.104609delA).
Protein change: p.Asp34870fs; shifts the reading frame from aspartic acid 34870.
Molecular consequence: frameshift variant.
Genome position (GRCh38, 1-based): chr2:178,532,006, T deleted on the plus strand (A on the coding strand, the reverse complement: TTN is on the minus strand). VCF-style (leftmost placement, unchanged base first): chr2-178532005-AT-A. GRCh37 (hg19) VCF-style: chr2-179396732-AT-A.
Other names: c.99686del, p.Asp33229fs (NM_001256850.1); c.77414del, p.Asp25805fs (NM_003319.4); c.96905del, p.Asp32302fs (NM_133378.4); c.77789del, p.Asp25930fs (NM_133432.3); c.77990del, p.Asp25997fs (NM_133437.4); short protein forms D25930fs, D25805fs, D32302fs, D33229fs, D34870fs, D25997fs.
Identifiers: ClinVar variation 2051561 (VCV002051561.4), dbSNP rs2468433099, ClinGen allele CA2580064570.
Genomic context (GRCh38, chr2:178,532,005, plus strand): 5'-CACAGGGCTGGGGGATCGTGGGCGAGTTCTCTCTGGAGTAGGTGACCTTCTTTCTGTGTC[AT>A]CTTCGTATTCCTCAGCCGGTTGTGGACGTGACCGGATCAGCTCAGACACTGGCCTCATTA-3'

ClinVar aggregate classification (germline): Likely pathogenic (1 of 4 stars; one submission).

Conditions:
Autosomal recessive limb-girdle muscular dystrophy type 2J (LGMDR10). Also called: Limb-girdle muscular dystrophy, type 2J; MUSCULAR DYSTROPHY, LIMB-GIRDLE, AUTOSOMAL RECESSIVE 10. Identifiers: Orphanet 140922, MedGen C1837342, MONDO:0012127, OMIM 608807.
Dilated cardiomyopathy 1G (CMD1G). Identifiers: Orphanet 154, MedGen C1858763, MONDO:0011400, OMIM 604145.

Submission:

Labcorp Genetics (formerly Invitae), Labcorp
Classification: Likely pathogenic for Dilated cardiomyopathy 1G; Autosomal recessive limb-girdle muscular dystrophy type 2J. Last evaluated: 2025-12-16. Review status: criteria provided, single submitter. Criteria: Invitae Variant Classification Sherloc (09022015). Collection method: clinical testing. Allele origin: germline.
Comment: This sequence change creates a premature translational stop signal (p.Asp34870Valfs*45) in the TTN gene. While this is not anticipated to result in nonsense mediated decay, it is expected to create a truncated TTN protein. This variant is not present in population databases (gnomAD no frequency). This variant has not been reported in the literature in individuals affected with TTN-related conditions. ClinVar contains an entry for this variant (Variation ID: 2051561). This variant is located in the M band of TTN (PMID: 25589632). Truncating variants in this region have been previously reported in individuals affected with autosomal dominant or autosomal recessive myopathy and muscular dystrophy (PMID: 18948003, 23975875, 24395473). Truncating variants in this region have also been identified in individuals affected with autosomal dominant dilated cardiomyopathy and/or cardio-related conditions (PMID: 27869827, 32964742, internal data). In summary, the currently available evidence indicates that the variant is pathogenic, but additional data are needed to prove that conclusively. Therefore, this variant has been classified as Likely Pathogenic.

Literature cited by the submitters: PubMed 25589632; PubMed 18948003; PubMed 23975875; PubMed 24395473; PubMed 27869827; PubMed 32964742.